The following is an entry in ClinVar:

NM_000384.3(APOB):c.8394G>T (p.Glu2798Asp)

Gene: APOB (apolipoprotein B; minus strand). Cytogenetic location: 2p24.1.
Variant type: single nucleotide variant.
Coding change: c.8394G>T on transcript NM_000384.3 (MANE Select); coding-DNA position 8394, G replaced by T.
Protein change: p.Glu2798Asp; replaces glutamic acid 2798 with aspartic acid.
Molecular consequence: missense variant.
Genome position (GRCh38, 1-based): chr2:21,008,474, C>A on the plus strand (G>T on the coding strand, the complement: APOB is on the minus strand). VCF-style: chr2-21008474-C-A. GRCh37 (hg19) VCF-style: chr2-21231346-C-A.
Other names: short protein forms E2798D.
Identifiers: ClinVar variation 944560 (VCV000944560.20), dbSNP rs760517113, ClinGen allele CA43500585.

ClinVar aggregate classification (germline): Uncertain significance. Review status: criteria provided, multiple submitters, no conflicts (2 of 4 stars). 4 submissions from 4 submitters: Uncertain significance (4). Last evaluated 2025-11-03.

Conditions:
Familial hypobetalipoproteinemia 1. Also called: Hypobetalipoproteinemia, normotriglyceridemic; Acanthocytosis with hypobetalipoproteinemia; APOB-Related Familial Hypobetalipoproteinemia. Identifiers: MedGen C4551990, MONDO:0014252, OMIM 615558.
Hypercholesterolemia, autosomal dominant, type B (FHCL2). Also called: Familial Hypercholesterolemia Type B; HYPERCHOLESTEROLEMIA, FAMILIAL, DUE TO LIGAND-DEFECTIVE APOLIPOPROTEIN B; Familial hypercholesterolemia 2; APOB-Related Familial Hypercholesterolemia, Autosomal Dominant; APOLIPOPROTEIN B-100, FAMILIAL DEFECTIVE; APOLIPOPROTEIN B-100, FAMILIAL LIGAND-DEFECTIVE. Identifiers: MedGen C1704417, MONDO:0007751, OMIM 144010.
Cardiovascular phenotype. Identifiers: MedGen CN230736.

Allele frequency attached by ClinVar (database versions not stated): gnomAD exomes below 0.00001 and 0.00001; gnomAD 0.00001; TOPMed 0.00001.
gnomAD v4.1: 10 of 1,613,954 alleles (0.00062%); highest among the groups gnomAD compares: African/African-American, 0.0013%; no homozygotes.

Submissions (4):

Ambry Genetics
Classification: Uncertain significance for Cardiovascular phenotype. Last evaluated: 2025-11-03. Review status: criteria provided, single submitter. Criteria: Ambry Variant Classification Scheme 2023. Collection method: clinical testing. Allele origin: germline.

Labcorp Genetics (formerly Invitae), Labcorp
Classification: Uncertain significance for Familial hypobetalipoproteinemia 1; Hypercholesterolemia, autosomal dominant, type B. Last evaluated: 2025-10-28. Review status: criteria provided, single submitter. Criteria: Invitae Variant Classification Sherloc (09022015). Collection method: clinical testing. Allele origin: germline.
Comment: This sequence change replaces glutamic acid, which is acidic and polar, with aspartic acid, which is acidic and polar, at codon 2798 of the APOB protein (p.Glu2798Asp). This variant is present in population databases (rs760517113, gnomAD 0.0009%). This variant has not been reported in the literature in individuals affected with APOB-related conditions. ClinVar contains an entry for this variant (Variation ID: 944560). Invitae Evidence Modeling of protein sequence and biophysical properties (such as structural, functional, and spatial information, amino acid conservation, physicochemical variation, residue mobility, and thermodynamic stability) indicates that this missense variant is not expected to disrupt APOB protein function with a negative predictive value of 95%. In summary, the available evidence is currently insufficient to determine the role of this variant in disease. Therefore, it has been classified as a Variant of Uncertain Significance.

Revvity Omics, Revvity
Classification: Uncertain significance. Last evaluated: 2024-04-16. Review status: criteria provided, single submitter. Criteria: ACMG Guidelines, 2015. Collection method: clinical testing. Allele origin: germline.

GeneDx
Classification: Uncertain significance. Last evaluated: 2019-07-10. Review status: criteria provided, single submitter. Criteria: GeneDx Variant Classification Process June 2021. Collection method: clinical testing. Allele origin: germline. Affected: yes.
Comment: Has not been previously reported as pathogenic or benign to our knowledge; Not observed at a significant frequency in large population cohorts (Lek et al., 2016); In silico analysis, which includes protein predictors and evolutionary conservation, supports that this variant does not alter protein structure/function; This variant is associated with the following publications: (PMID: 28431867)